The following is an entry in ClinVar:

ClinVar aggregate classification (germline): Conflicting classifications of pathogenicity. Review status: criteria provided, conflicting classifications (1 of 4 stars). 2 submissions from 2 submitters: Uncertain significance (1); Likely benign (1). Last evaluated 2026-08-01.

gnomAD v4.1: 2 of 1,613,730 alleles (0.00012%); highest among the groups gnomAD compares: Non-Finnish European, 0.00017%; no homozygotes.

Submissions (2):

CeGaT Center for Human Genetics Tuebingen
Classification: Uncertain significance. Last evaluated: 2026-08-01. Review status: criteria provided, single submitter. Criteria: CeGaT Center For Human Genetics Tuebingen Variant Classification Criteria Version 2. Collection method: clinical testing. Allele origin: germline. Affected: yes. Observed: 1 variant allele.
Comment: CHD7: PM2

Blueprint Genetics
Classification: Likely benign. Last evaluated: 2019-09-12. Review status: criteria provided, single submitter. Criteria: ACMG Guidelines, 2015. Collection method: clinical testing. Allele origin: germline.

NM_017780.4(CHD7):c.2363A>G (p.Gln788Arg)

Gene: CHD7 (chromodomain helicase DNA binding protein 7; plus strand). Cytogenetic location: 8q12.2.
Variant type: single nucleotide variant.
Coding change: c.2363A>G on transcript NM_017780.4 (MANE Select); coding-DNA position 2363, A replaced by G.
Protein change: p.Gln788Arg; replaces glutamine 788 with arginine.
Molecular consequence: missense variant. On other transcripts: intron variant (1).
Genome position (GRCh38, 1-based): chr8:60,800,512, A>G. VCF-style: chr8-60800512-A-G. GRCh37 (hg19) VCF-style: chr8-61713071-A-G.
Other names: c.1716+19462A>G (NM_001316690.1); short protein forms Q788R.
Identifiers: ClinVar variation 4900580 (VCV004900580.2).